The following is an entry in ClinVar:

NM_000186.4(CFH):c.3435G>C (p.Glu1145Asp)

Gene: CFH (complement factor H; plus strand). Cytogenetic location: 1q31.3.
Variant type: single nucleotide variant.
Coding change: c.3435G>C on transcript NM_000186.4 (MANE Select); coding-DNA position 3435, G replaced by C.
Protein change: p.Glu1145Asp; replaces glutamic acid 1145 with aspartic acid.
Molecular consequence: missense variant.
Genome position (GRCh38, 1-based): chr1:196,745,941, G>C. VCF-style: chr1-196745941-G-C. GRCh37 (hg19) VCF-style: chr1-196715071-G-C.
Other names: short protein forms E1145D.
Identifiers: ClinVar variation 4291572 (VCV004291572.3).

ClinVar aggregate classification (germline): Uncertain significance. Review status: criteria provided, multiple submitters, no conflicts (2 of 4 stars). 2 submissions from 2 submitters: Uncertain significance (2). Last evaluated 2026-09-17.

Conditions:
Factor H deficiency (CFHD). Also called: COMPLEMENT FACTOR H DEFICIENCY; CFH DEFICIENCY. Identifiers: Orphanet 200421, MedGen C0398777, MONDO:0012350, OMIM 609814.

gnomAD v4.1: 2 of 1,614,116 alleles (0.00012%); highest among the groups gnomAD compares: East Asian, 0.0045%; no homozygotes.

Submissions (2):

Genomenon, Inc
Classification: Uncertain significance for Factor H deficiency. Last evaluated: 2026-09-17. Review status: criteria provided, single submitter. Criteria: Genomenon Sequence Variant Interpretation Standards - Updated. Collection method: curation. Allele origin: germline. Affected: yes.
Comment: CFH p.Glu1145Asp (c.3435G>C) is a missense variant that changes the amino acid at codon 1145 from glutamic acid to aspartic acid. This variant has been observed in at least one proband affected with complement factor H deficiency (PMID: 22223606). It is absent or not present at a significant frequency in gnomAD. In silico models predict that this variant is not damaging. In conclusion, we classify CFH p.Glu1145Asp (c.3435G>C) as a variant of uncertain significance.

Labcorp Genetics (formerly Invitae), Labcorp
Classification: Uncertain significance. Last evaluated: 2025-12-16. Review status: criteria provided, single submitter. Criteria: Invitae Variant Classification Sherloc (09022015). Collection method: clinical testing. Allele origin: germline.
Comment: This sequence change replaces glutamic acid, which is acidic and polar, with aspartic acid, which is acidic and polar, at codon 1145 of the CFH protein (p.Glu1145Asp). This variant is present in population databases (rs778035658, gnomAD 0.01%). This missense change has been observed in individual(s) with clinical features of CFH-related conditions (PMID: 22223606). ClinVar contains an entry for this variant (Variation ID: 4291572). An algorithm developed to predict the effect of missense changes on protein structure and function (PolyPhen-2) suggests that this variant is likely to be disruptive. In summary, the available evidence is currently insufficient to determine the role of this variant in disease. Therefore, it has been classified as a Variant of Uncertain Significance.

Literature cited by the submitters: PubMed 22223606 (cited by Genomenon, Inc and Labcorp Genetics (formerly Invitae), Labcorp).